The following is an entry in ClinVar:

ClinVar aggregate classification (germline): Conflicting classifications of pathogenicity. Review status: criteria provided, conflicting classifications (1 of 4 stars). 3 submissions from 3 submitters: Uncertain significance (1); Likely benign (2). Last evaluated 2026-07-13.

Conditions:
RPGR-related disorder. Also called: RPGR-related condition.
Primary ciliary dyskinesia. Also called: Ciliary dyskinesia. Identifiers: Orphanet 244, MedGen C0008780, MONDO:0016575, HP:0012265.

Submissions (3):

PreventionGenetics, part of Exact Sciences
Classification: Likely benign for RPGR-related condition. Last evaluated: 2026-07-13. Review status: criteria provided, single submitter. Criteria: ACMG Guidelines, 2015. Collection method: clinical testing. Allele origin: germline.
Comment: This variant is classified as likely benign based on ACMG/AMP sequence variant interpretation guidelines (Richards et al. 2015 PMID: 25741868, with internal and published modifications).

Blueprint Genetics
Classification: Likely benign. Last evaluated: 2024-05-06. Review status: criteria provided, single submitter. Criteria: ACMG Guidelines, 2015. Collection method: clinical testing. Allele origin: germline.

Labcorp Genetics (formerly Invitae), Labcorp
Classification: Uncertain significance for Primary ciliary dyskinesia. Last evaluated: 2023-02-27. Review status: criteria provided, single submitter. Criteria: Invitae Variant Classification Sherloc (09022015). Collection method: clinical testing. Allele origin: germline.
Comment: This variant, c.2811_2816del, results in the deletion of 2 amino acid(s) of the RPGR (ORF15) protein (p.Gly941_Glu942del), but otherwise preserves the integrity of the reading frame. The frequency data for this variant in the population databases is considered unreliable, as metrics indicate poor data quality at this position in the gnomAD database. This variant has not been reported in the literature in individuals affected with RPGR (ORF15)-related conditions. ClinVar contains an entry for this variant (Variation ID: 1899978). Experimental studies and prediction algorithms are not available or were not evaluated, and the functional significance of this variant is currently unknown. In summary, the available evidence is currently insufficient to determine the role of this variant in disease. Therefore, it has been classified as a Variant of Uncertain Significance.

NM_001034853.2(RPGR):c.2811_2816del (p.937GE[2])

Gene: RPGR (retinitis pigmentosa GTPase regulator; minus strand). Cytogenetic location: Xp11.4.
Variant type: Deletion.
Coding change: c.2811_2816del on transcript NM_001034853.2 (MANE Select); coding-DNA positions 2811 to 2816, 6 bases deleted (AGAAGG; older notation c.2811_2816delAGAAGG).
Protein change: p.937GE[2].
Molecular consequence: inframe deletion. On other transcripts: intron variant (8).
Genome position (GRCh38, 1-based): chrX:38,286,183-38,286,188, CCTTCT deleted on the plus strand (AGAAGG on the coding strand, the reverse complement: RPGR is on the minus strand); deleting any 6 consecutive bases within chrX:38,286,183-38,286,193 gives the same sequence; the c. name uses the placement nearest the transcript's 3' end. VCF-style (leftmost placement, unchanged base first): chrX-38286182-CCCTTCT-C. GRCh37 (hg19) VCF-style: chrX-38145435-CCCTTCT-C.
Other names: c.1569+4771_1569+4776del (NM_001367249.1, NM_001367250.1); c.1902+906_1902+911del (NM_001367245.1); c.1386+4771_1386+4776del (NM_001367251.1); c.1719+906_1719+911del (NM_001367246.1); c.1572+4771_1572+4776del (NM_001367247.1); c.1905+906_1905+911del (NM_000328.3); c.1602+4771_1602+4776del (NM_001367248.1); c.2811_2816del6 (NM_001034853.1).
Identifiers: ClinVar variation 1899978 (VCV001899978.7), dbSNP rs1446643540, ClinGen allele CA640957186.